The following is an entry in ClinVar:

NM_001040108.2(MLH3):c.30A>C (p.Gln10His)

Gene: MLH3 (mutL homolog 3; minus strand). Cytogenetic location: 14q24.3.
Variant type: single nucleotide variant.
Coding change: c.30A>C on transcript NM_001040108.2 (MANE Select); coding-DNA position 30, A replaced by C.
Protein change: p.Gln10His; replaces glutamine 10 with histidine.
Molecular consequence: missense variant.
Genome position (GRCh38, 1-based): chr14:75,049,626, T>G on the plus strand (A>C on the coding strand, the complement: MLH3 is on the minus strand). VCF-style: chr14-75049626-T-G. GRCh37 (hg19) VCF-style: chr14-75516329-T-G.
Other names: c.30A>C, p.Gln10His (NM_014381.3); short protein forms Q10H.
Identifiers: ClinVar variation 1727596 (VCV001727596.2), dbSNP rs1892533111, ClinGen allele CA390451950.

ClinVar aggregate classification (germline): Uncertain significance (1 of 4 stars; one submission).

Submission:

Ambry Genetics
Classification: Uncertain significance. Last evaluated: 2022-05-02. Review status: criteria provided, single submitter. Criteria: Ambry Variant Classification Scheme 2023. Collection method: clinical testing. Allele origin: germline.
Comment: The p.Q10H variant (also known as c.30A>C), located in coding exon 1 of the MLH3 gene, results from an A to C substitution at nucleotide position 30. The glutamine at codon 10 is replaced by histidine, an amino acid with highly similar properties. This amino acid position is conserved. In addition, the in silico prediction for this alteration is inconclusive. Since supporting evidence is limited at this time, the clinical significance of this alteration remains unclear.